The following is an entry in ClinVar:

NM_000218.3(KCNQ1):c.1027C>T (p.Pro343Ser)

Gene: KCNQ1 (potassium voltage-gated channel subfamily Q member 1; plus strand). Cytogenetic location: 11p15.5.
Variant type: single nucleotide variant.
Coding change: c.1027C>T on transcript NM_000218.3 (MANE Select); coding-DNA position 1027, C replaced by T.
Protein change: p.Pro343Ser; replaces proline 343 with serine.
Molecular consequence: missense variant.
Genome position (GRCh38, 1-based): chr11:2,583,540, C>T. VCF-style: chr11-2583540-C-T. GRCh37 (hg19) VCF-style: chr11-2604770-C-T.
Other names: c.1027C>T (LRG_287t1); c.1027C>T, p.Pro343Ser (NM_001406836.1); c.757C>T, p.Pro253Ser (NM_001406837.1); c.583C>T, p.Pro195Ser (NM_001406838.1); c.646C>T, p.Pro216Ser (NM_181798.2); short protein forms P343S, P216S, P195S, P253S.
Identifiers: ClinVar variation 52933 (VCV000052933.12), dbSNP rs199472762, ClinGen allele CA004923.

ClinVar aggregate classification (germline): Pathogenic/Likely pathogenic. Review status: criteria provided, multiple submitters, no conflicts (2 of 4 stars). 3 submissions from 3 submitters: Pathogenic (1); Likely pathogenic (1). 1 of the submissions does not count toward it. Last evaluated 2024-12-23.

Conditions:
Cardiovascular phenotype. Identifiers: MedGen CN230736.
Familial long QT syndrome (RWS). Also called: Congenital long QT syndrome; Romano-Ward syndrome; VENTRICULAR FIBRILLATION WITH PROLONGED QT INTERVAL. Identifiers: Orphanet 768, MedGen C1141890, MONDO:0019171.
Long QT syndrome (LQTS). Identifiers: MedGen C0023976, MeSH D008133, MONDO:0002442. Disease mechanism: loss of function. Inheritance: Various modes of inheritance.

Submissions (3):

Labcorp Genetics (formerly Invitae), Labcorp
Classification: Pathogenic for Long QT syndrome. Last evaluated: 2024-12-23. Review status: criteria provided, single submitter. Criteria: Invitae Variant Classification Sherloc (09022015). Collection method: clinical testing. Allele origin: germline.
Comment: This sequence change replaces proline, which is neutral and non-polar, with serine, which is neutral and polar, at codon 343 of the KCNQ1 protein (p.Pro343Ser). This variant is not present in population databases (gnomAD no frequency). This missense change has been observed in individuals with long QT syndrome (PMID: 15511625, 15840476; internal data). It has also been observed to segregate with disease in related individuals. ClinVar contains an entry for this variant (Variation ID: 52933). Invitae Evidence Modeling of protein sequence and biophysical properties (such as structural, functional, and spatial information, amino acid conservation, physicochemical variation, residue mobility, and thermodynamic stability) indicates that this missense variant is expected to disrupt KCNQ1 protein function with a positive predictive value of 95%. Experimental studies have shown that this missense change affects KCNQ1 function (PMID: 15511625). This variant disrupts the p.Pro343 amino acid residue in KCNQ1. Other variant(s) that disrupt this residue have been observed in individuals with KCNQ1-related conditions (PMID: 16414944, 22949429), which suggests that this may be a clinically significant amino acid residue. For these reasons, this variant has been classified as Pathogenic.

Ambry Genetics
Classification: Likely pathogenic for Cardiovascular phenotype. Last evaluated: 2024-11-11. Review status: criteria provided, single submitter. Criteria: Ambry Variant Classification Scheme 2023. Collection method: clinical testing. Allele origin: germline.
Comment: The p.P343S variant (also known as c.1027C>T), located in coding exon 7 of the KCNQ1 gene, results from a C to T substitution at nucleotide position 1027. The proline at codon 343 is replaced by serine, an amino acid with similar properties. This variant has been detected in individuals reported to have long QT syndrome (LQTS) or presentations consistent with LQTS, and segregated with disease in a family (Choi G et al. Circulation, 2004 Oct;110:2119-24; Tester DJ et al. Heart Rhythm, 2005 May;2:507-17; Moss AJ et al. Circulation, 2007 May;115:2481-9; Zehelein J et al. Biochim Biophys Acta, 2004 Nov;1690:185-92; Rucinski C et al. Mol Genet Genomic Med. 2022; external communication; Ambry internal data). In vitro functional studies by one group have indicated that this variant results in reduced channel current (Zehelein J et al. Biochim Biophys Acta, 2004 Nov;1690:185-92). Based on internal structural analysis, this variant is predicted to be structurally disruptive (Sun J et al. Cell. 2020 Jan;180(2):340-347.e9; Ambry internal data). This variant is considered to be rare based on population cohorts in the Genome Aggregation Database (gnomAD). This amino acid position is highly conserved in available vertebrate species. In addition, this alteration is predicted to be deleterious by in silico analysis. Based on the majority of available evidence to date, this variant is likely to be pathogenic.

Cardiovascular Biomedical Research Unit, Royal Brompton & Harefield NHS Foundation Trust
No classification provided. Condition: Familial long QT syndrome. Review status: no classification provided. Collection method: literature only. Allele origin: germline. Not counted in ClinVar's aggregate classification.
Comment: This variant has been reported as associated with Long QT syndrome in the following publications (PMID:15466642;PMID:15511625;PMID:15840476;PMID:17470695). This is a literature report, and does not necessarily reflect the clinical interpretation of the Imperial College / Royal Brompton Cardiovascular Genetics laboratory.

Literature cited by the submitters: PubMed 15511625 (cited by 3 submitters); PubMed 15840476 (cited by 3 submitters); PubMed 16414944 (cited by Labcorp Genetics (formerly Invitae), Labcorp); PubMed 22949429 (cited by Labcorp Genetics (formerly Invitae), Labcorp); PubMed 15466642 (cited by Ambry Genetics and Cardiovascular Biomedical Research Unit, Royal Brompton & Harefield NHS Foundation Trust); PubMed 17470695 (cited by Ambry Genetics and Cardiovascular Biomedical Research Unit, Royal Brompton & Harefield NHS Foundation Trust); PubMed 19490272 (cited by Ambry Genetics); PubMed 22456477 (cited by Ambry Genetics); PubMed 31883792 (cited by Ambry Genetics); PubMed 32893267 (cited by Ambry Genetics); PubMed 36204818 (cited by Ambry Genetics); PubMed 22581653 (cited by Cardiovascular Biomedical Research Unit, Royal Brompton & Harefield NHS Foundation Trust).